The following is an entry in ClinVar:

ClinVar aggregate classification (germline): Likely benign (1 of 4 stars; one submission).

Allele frequency attached by ClinVar (database versions not stated): 1000 Genomes Project 30x 0.00031; TOPMed below 0.00001; gnomAD 0.00009; 1000 Genomes Project 0.00040; gnomAD exomes 0.00011; ExAC 0.00025.
gnomAD v4.1: 174 of 1,614,096 alleles (0.011%); highest among the groups gnomAD compares: South Asian, 0.18%; 1 homozygote.

Submission:

CeGaT Center for Human Genetics Tuebingen
Classification: Likely benign. Last evaluated: 2024-06-01. Review status: criteria provided, single submitter. Criteria: CeGaT Center For Human Genetics Tuebingen Variant Classification Criteria Version 2. Collection method: clinical testing. Allele origin: germline. Affected: yes. Observed: 1 variant allele.
Comment: OPA3: BP4, BP7

NM_001017989.3(OPA3):c.309C>T (p.Arg103=)

Genes: OPA3 (outer mitochondrial membrane lipid metabolism regulator OPA3; minus strand), OPA3-RTN2 (OPA3-RTN2 readthrough; minus strand). Cytogenetic location: 19q13.32.
Variant type: single nucleotide variant.
Coding change: c.309C>T on transcript NM_001017989.3; coding-DNA position 309, C replaced by T.
Protein change: p.Arg103=; no amino-acid change (arginine 103 retained).
Molecular consequence: synonymous variant.
Genome position (GRCh38, 1-based): chr19:45,529,290, G>A on the plus strand (C>T on the coding strand, the complement: OPA3 is on the minus strand). VCF-style: chr19-45529290-G-A. GRCh37 (hg19) VCF-style: chr19-46032548-G-A.
Identifiers: ClinVar variation 3250804 (VCV003250804.17), dbSNP rs532551321.